The following is an entry in ClinVar:

NM_177438.3(DICER1):c.144+5T>C

Gene: DICER1 (dicer 1, ribonuclease III; minus strand). Cytogenetic location: 14q32.13.
Variant type: single nucleotide variant.
Coding change: c.144+5T>C on transcript NM_177438.3 (MANE Select); 5 bases into the intron after coding-DNA position 144, T replaced by C.
Molecular consequence: intron variant.
Genome position (GRCh38, 1-based): chr14:95,133,310, A>G on the plus strand (T>C on the coding strand, the complement: DICER1 is on the minus strand). VCF-style: chr14-95133310-A-G. GRCh37 (hg19) VCF-style: chr14-95599647-A-G.
Other names: c.144+5T>C (NM_001291628.2, NM_030621.4, NM_001271282.3 and 1 more transcripts).
Identifiers: ClinVar variation 1378364 (VCV001378364.7), dbSNP rs2140294993, ClinGen allele CA2573150341.

ClinVar aggregate classification (germline): Uncertain significance (1 of 4 stars; one submission).

Conditions:
DICER1-related tumor predisposition. Also called: DICER1 syndrome; DICER1-related pleuropulmonary blastoma cancer predisposition syndrome. Identifiers: Orphanet 284343, MedGen C3839822, MONDO:0100216.

Submission:

Labcorp Genetics (formerly Invitae), Labcorp
Classification: Uncertain significance for DICER1-related tumor predisposition. Last evaluated: 2021-03-12. Review status: criteria provided, single submitter. Criteria: Invitae Variant Classification Sherloc (09022015). Collection method: clinical testing. Allele origin: germline.
Comment: This sequence change falls in intron 2 of the DICER1 gene. It does not directly change the encoded amino acid sequence of the DICER1 protein. It affects a nucleotide within the consensus splice site of the intron. This variant is not present in population databases (ExAC no frequency). This variant has not been reported in the literature in individuals with DICER1-related conditions. Nucleotide substitutions within the consensus splice site are a relatively common cause of aberrant splicing (PMID: 17576681, 9536098). Algorithms developed to predict the effect of sequence changes on RNA splicing suggest that this variant is not likely to affect RNA splicing, but this prediction has not been confirmed by published transcriptional studies. In summary, the available evidence is currently insufficient to determine the role of this variant in disease. Therefore, it has been classified as a Variant of Uncertain Significance.

Literature cited by the submitters: PubMed 17576681; PubMed 9536098.